The following is an entry in ClinVar:

ClinVar aggregate classification (germline): Pathogenic. Review status: reviewed by expert panel (3 of 4 stars). 6 submissions from 6 submitters: Pathogenic (1). 5 of the submissions do not count toward it. Last evaluated 2020-09-06.

Conditions:
Glanzmann thrombasthenia 2. Also called: BLEEDING DISORDER, PLATELET-TYPE, 23. Identifiers: MedGen C5543273, MONDO:0031009, OMIM 619267.
ITGB3-related disorder. Also called: ITGB3-related condition.
Glanzmann thrombasthenia. Also called: Thrombasthenia; THROMBASTHENIA OF GLANZMANN AND NAEGELI; PLATELET GLYCOPROTEIN IIb-IIIa DEFICIENCY; Glanzmann's thrombasthenia. Identifiers: Orphanet 849, MedGen C0040015, MONDO:0100326.
ITGB3-related disorders.

Submissions (6):

ClinGen Platelet Disorders Variant Curation Expert Panel, ClinGen
Classification: Pathogenic for Glanzmann thrombasthenia. Last evaluated: 2020-09-06. Review status: reviewed by expert panel. Criteria: ClinGen Platelet ACMG Specifications v2. Collection method: curation. Allele origin: germline. Inheritance: Autosomal recessive inheritance.
Comment: The frameshift variant NM_000212.2:c.2113del results in the creation of a premature stop codon in exon 13 of 15, which is expected to result in NMD. It occurs at an extremely low allele frequency with a MAF of 0.0000932 in the East Asian population on gnomAD. It has been reported in at least 4 homozygotes and three compound heterozygous patient with a phenotype highly specific to GT, as well as at least 7 family members (PMIDs: 31088191, 30792900, 25728920). In summary, based on the available evidence at this time, the variant is classified as Pathogenic. GT-specific criteria applied: PVS1, PM2_Supporting, PM3, PP1_Strong, PP4_Strong.

Genomic Medicine Center of Excellence, King Faisal Specialist Hospital and Research Centre
Classification: Pathogenic for Glanzmann thrombasthenia 2. Last evaluated: 2025-09-10. Review status: criteria provided, single submitter. Criteria: ACMG Guidelines, 2015. Collection method: clinical testing. Allele origin: germline. Not counted in ClinVar's aggregate classification.

Labcorp Genetics (formerly Invitae), Labcorp
Classification: Pathogenic. Last evaluated: 2024-02-17. Review status: criteria provided, single submitter. Criteria: Invitae Variant Classification Sherloc (09022015). Collection method: clinical testing. Allele origin: germline. Not counted in ClinVar's aggregate classification.
Comment: This sequence change creates a premature translational stop signal (p.Leu705Cysfs*4) in the ITGB3 gene. It is expected to result in an absent or disrupted protein product. Loss-of-function variants in ITGB3 are known to be pathogenic (PMID: 21917754). This variant is present in population databases (rs780384800, gnomAD 0.01%). This premature translational stop signal has been observed in individual(s) with Glanzmann thrombasthenia (PMID: 25728920, 30792900, 33600779). ClinVar contains an entry for this variant (Variation ID: 953051). For these reasons, this variant has been classified as Pathogenic.

Revvity Omics, Revvity
Classification: Pathogenic. Last evaluated: 2023-12-07. Review status: criteria provided, single submitter. Criteria: ACMG Guidelines, 2015. Collection method: clinical testing. Allele origin: germline. Not counted in ClinVar's aggregate classification.

Blueprint Genetics
Classification: Pathogenic for ITGB3-related disorders. Last evaluated: 2023-09-26. Review status: criteria provided, single submitter. Criteria: ACMG Guidelines, 2015. Collection method: clinical testing. Allele origin: germline. Affected: yes. Observed: 2 variant alleles. Not counted in ClinVar's aggregate classification.

PreventionGenetics, part of Exact Sciences
Classification: Pathogenic for ITGB3-related condition. Last evaluated: 2024-07-24. Review status: no assertion criteria provided. Collection method: clinical testing. Allele origin: germline. Not counted in ClinVar's aggregate classification.
Comment: The ITGB3 c.2113delC variant is predicted to result in a frameshift and premature protein termination (p.Leu705Cysfs*4). This variant was reported, either in the homozygous state or in the heterozygous state along with a second potentially causative variant, in individuals with Glanzmann thrombasthenia (see, for example, Nurden et al. 2015. PubMed ID: 25728920; Owaidah et al. 2019. PubMed ID: 30792900). This variant is reported in 0.011% of alleles in individuals of East Asian descent in gnomAD. Frameshift variants in ITGB3 are expected to be pathogenic. This variant is interpreted as pathogenic.

Literature cited by the submitters: PubMed 31088191 (cited by ClinGen Platelet Disorders Variant Curation Expert Panel, ClinGen); PubMed 30792900 (cited by ClinGen Platelet Disorders Variant Curation Expert Panel, ClinGen and Labcorp Genetics (formerly Invitae), Labcorp); PubMed 25728920 (cited by ClinGen Platelet Disorders Variant Curation Expert Panel, ClinGen and Labcorp Genetics (formerly Invitae), Labcorp); PubMed 21917754 (cited by Labcorp Genetics (formerly Invitae), Labcorp); PubMed 33600779 (cited by Labcorp Genetics (formerly Invitae), Labcorp).

NM_000212.3(ITGB3):c.2113del (p.Leu705fs)

Gene: ITGB3 (integrin subunit beta 3; plus strand). Cytogenetic location: 17q21.32.
Variant type: Deletion.
Coding change: c.2113del on transcript NM_000212.3 (MANE Select); coding-DNA position 2113, one base deleted (C; older notation c.2113delC).
Protein change: p.Leu705fs; shifts the reading frame from leucine 705.
Molecular consequence: frameshift variant.
Genome position (GRCh38, 1-based): chr17:47,302,819, C deleted; the last of 2 consecutive C bases (chr17:47,302,818-47,302,819); deleting either gives the same sequence. VCF-style (leftmost placement, unchanged base first): chr17-47302817-TC-T. GRCh37 (hg19) VCF-style: chr17-45380183-TC-T.
Other names: c.2113delC (NM_000212.2); short protein forms L705fs.
Identifiers: ClinVar variation 953051 (VCV000953051.9), dbSNP rs780384800, ClinGen allele CA8623443.